The following is an entry in ClinVar:

ClinVar aggregate classification (germline): Uncertain significance. Review status: criteria provided, multiple submitters, no conflicts (2 of 4 stars). 3 submissions from 3 submitters: Uncertain significance (3). Last evaluated 2024-09-02.

Conditions:
Multiple gastrointestinal atresias. Also called: Multiple intestinal atresia; FAMILIAL INTESTINAL POLYATRESIA SYNDROME. Identifiers: Orphanet 2300, MedGen C0220744, MONDO:0009465.
Inborn genetic diseases. Identifiers: MedGen C0950123, MeSH D030342.

Allele frequency attached by ClinVar (database versions not stated): TOPMed below 0.00001; gnomAD 0.00001; gnomAD exomes 0.00002 and 0.00003; ExAC 0.00004; ESP Exome Variant Server 0.00008.

Submissions (3):

Blueprint Genetics
Classification: Uncertain significance. Last evaluated: 2024-09-02. Review status: criteria provided, single submitter. Criteria: ACMG Guidelines, 2015. Collection method: clinical testing. Allele origin: germline.

Ambry Genetics
Classification: Uncertain significance for Inborn genetic diseases. Last evaluated: 2023-07-25. Review status: criteria provided, single submitter. Criteria: Ambry Variant Classification Scheme 2023. Collection method: clinical testing. Allele origin: germline.

Labcorp Genetics (formerly Invitae), Labcorp
Classification: Uncertain significance for Multiple gastrointestinal atresias. Last evaluated: 2022-06-20. Review status: criteria provided, single submitter. Criteria: Invitae Variant Classification Sherloc (09022015). Collection method: clinical testing. Allele origin: germline.
Comment: This sequence change replaces serine, which is neutral and polar, with cysteine, which is neutral and slightly polar, at codon 477 of the TTC7A protein (p.Ser477Cys). This variant is present in population databases (rs372476224, gnomAD 0.005%). This variant has not been reported in the literature in individuals affected with TTC7A-related conditions. ClinVar contains an entry for this variant (Variation ID: 938211). Algorithms developed to predict the effect of missense changes on protein structure and function are either unavailable or do not agree on the potential impact of this missense change (SIFT: "Deleterious"; PolyPhen-2: "Benign"; Align-GVGD: "Class C0"). In summary, the available evidence is currently insufficient to determine the role of this variant in disease. Therefore, it has been classified as a Variant of Uncertain Significance.

NM_020458.4(TTC7A):c.1429A>T (p.Ser477Cys)

Gene: TTC7A (tetratricopeptide repeat domain 7A; plus strand). Cytogenetic location: 2p21.
Variant type: single nucleotide variant.
Coding change: c.1429A>T on transcript NM_020458.4 (MANE Select); coding-DNA position 1429, A replaced by T.
Protein change: p.Ser477Cys; replaces serine 477 with cysteine.
Molecular consequence: missense variant.
Genome position (GRCh38, 1-based): chr2:47,021,898, A>T. VCF-style: chr2-47021898-A-T. GRCh37 (hg19) VCF-style: chr2-47249037-A-T.
Other names: c.1429A>T, p.Ser477Cys (NM_001288951.2); c.1327A>T, p.Ser443Cys (NM_001288953.2); c.367A>T, p.Ser123Cys (NM_001288955.2); c.1429A>T (NM_020458.2); short protein forms S443C, S477C, S123C.
Identifiers: ClinVar variation 938211 (VCV000938211.10), dbSNP rs372476224, ClinGen allele CA1647665.
Genomic context (GRCh38, chr2:47,021,898, plus strand): 5'-GACCTCTGTCTCTCCTCTTTGCAGCTAGAGGAAGCAGAGCACTTTGCCATGATGGTGATC[A>T]GCCTCGGAGAGGAAGCCGGGGAGTTCCTCCCCAAGGGCTACCTGGCTCTGGGTCTCACCT-3'
Protein context (NP_065191.2, residues 467-487): EAEHFAMMVI[Ser477Cys]LGEEAGEFLP